The following is an entry in ClinVar:

ClinVar aggregate classification (germline): Likely pathogenic (1 of 4 stars; one submission).

Conditions:
Congenital heart disease (variable). Identifiers: MedGen C3805326.

Submission:

Women's Health and Genetics/Laboratory Corporation of America, LabCorp
Classification: Likely pathogenic for Congenital heart disease (variable). Last evaluated: 2019-02-25. Review status: criteria provided, single submitter. Criteria: LabCorp Variant Classification Summary - May 2015. Collection method: clinical testing. Allele origin: germline.
Comment: Variant summary: CHD7 c.2021delC (p.Pro674LeufsX37) results in a premature termination codon, predicted to cause a truncation of the encoded protein or absence of the protein due to nonsense mediated decay, which are commonly known mechanisms for disease. A truncation downstream of this position have been classified as pathogenic by our laboratory (eg. c.6070C>T (p.Arg2024X)). The variant was absent in 198812 control chromosomes (gnomAD). To our knowledge, no occurrence of c.2021delC in individuals affected with Congenital Heart Disease and no experimental evidence demonstrating its impact on protein function have been reported. No clinical diagnostic laboratories have submitted clinical-significance assessments for this variant to ClinVar after 2014. Based on the evidence outlined above, the variant was classified as likely pathogenic.

NM_017780.4(CHD7):c.2021del (p.Pro674fs)

Genes: CHD7 (chromodomain helicase DNA binding protein 7; plus strand), LOC126860403 (CDK7 strongly-dependent group 2 enhancer GRCh37_chr8:61693034-61694233; plus strand). Cytogenetic location: 8q12.2.
Variant type: Deletion.
Coding change: c.2021del on transcript NM_017780.4 (MANE Select); coding-DNA position 2021, one base deleted (C; older notation c.2021delC).
Protein change: p.Pro674fs; shifts the reading frame from proline 674.
Molecular consequence: frameshift variant. On other transcripts: intron variant (1).
Genome position (GRCh38, 1-based): chr8:60,781,355, C deleted; the last of 4 consecutive C bases (chr8:60,781,352-60,781,355); deleting any one gives the same sequence. VCF-style (leftmost placement, unchanged base first): chr8-60781351-GC-G. GRCh37 (hg19) VCF-style: chr8-61693910-GC-G.
Other names: c.1716+305del (NM_001316690.1); short protein forms P674fs.
Identifiers: ClinVar variation 929091 (VCV000929091.1), dbSNP rs1811220142, ClinGen allele CA1139660580.